The following is an entry in ClinVar:

ClinVar aggregate classification (germline): Uncertain significance (1 of 4 stars; one submission).

Submission:

Labcorp Genetics (formerly Invitae), Labcorp
Classification: Uncertain significance. Last evaluated: 2025-06-04. Review status: criteria provided, single submitter. Criteria: Invitae Variant Classification Sherloc (09022015). Collection method: clinical testing. Allele origin: germline.
Comment: This sequence change replaces proline, which is neutral and non-polar, with serine, which is neutral and polar, at codon 830 of the CSF2RB protein (p.Pro830Ser). This variant is not present in population databases (gnomAD no frequency). This variant has not been reported in the literature in individuals affected with CSF2RB-related conditions. ClinVar contains an entry for this variant (Variation ID: 1927853). Invitae Evidence Modeling of protein sequence and biophysical properties (such as structural, functional, and spatial information, amino acid conservation, physicochemical variation, residue mobility, and thermodynamic stability) indicates that this missense variant is not expected to disrupt CSF2RB protein function with a negative predictive value of 80%. In summary, the available evidence is currently insufficient to determine the role of this variant in disease. Therefore, it has been classified as a Variant of Uncertain Significance.

NM_000395.3(CSF2RB):c.2488C>T (p.Pro830Ser)

Gene: CSF2RB (colony stimulating factor 2 receptor subunit beta; plus strand). Cytogenetic location: 22q12.3.
Variant type: single nucleotide variant.
Coding change: c.2488C>T on transcript NM_000395.3 (MANE Select); coding-DNA position 2488, C replaced by T.
Protein change: p.Pro830Ser; replaces proline 830 with serine.
Molecular consequence: missense variant.
Genome position (GRCh38, 1-based): chr22:36,938,296, C>T. VCF-style: chr22-36938296-C-T. GRCh37 (hg19) VCF-style: chr22-37334338-C-T.
Other names: c.2506C>T, p.Pro836Ser (NM_001410827.1); short protein forms P830S, P836S.
Identifiers: ClinVar variation 1927853 (VCV001927853.5), dbSNP rs1941319287, ClinGen allele CA411411598.
Genomic context (GRCh38, chr22:36,938,296, plus strand): 5'-CCCGAGGGCCTCCTTGTCCTGCAGCAAGTGGGCGACTATTGCTTCCTCCCCGGCCTGGGG[C>T]CCGGCCCTCTCTCGCTCCGGAGTAAACCTTCTTCCCCGGGACCCGGTCCTGAGATCAAGA-3'
Protein context (NP_000386.1, residues 820-840): GDYCFLPGLG[Pro830Ser]GPLSLRSKPS